The following is an entry in ClinVar:

NM_022463.5(NXN):c.1125+9G>A

Gene: NXN (nucleoredoxin; minus strand). Cytogenetic location: 17p13.3.
Variant type: single nucleotide variant.
Coding change: c.1125+9G>A on transcript NM_022463.5 (MANE Select); 9 bases into the intron after coding-DNA position 1125, G replaced by A.
Molecular consequence: intron variant.
Genome position (GRCh38, 1-based): chr17:803,673, C>T on the plus strand (G>A on the coding strand, the complement: NXN is on the minus strand). VCF-style: chr17-803673-C-T. GRCh37 (hg19) VCF-style: chr17-706913-C-T.
Other names: c.801+9G>A (NM_001205319.1); c.1125+9G>A (NM_022463.4).
Identifiers: ClinVar variation 1647284 (VCV001647284.10), dbSNP rs374188767, ClinGen allele CA8263940.

ClinVar aggregate classification (germline): Likely benign. Review status: criteria provided, single submitter (1 of 4 stars). 2 submissions from 2 submitters: Likely benign (1). 1 of the submissions does not count toward it. Last evaluated 2026-01-26.

Conditions:
NXN-related disorder. Also called: NXN-related condition.

Allele frequency attached by ClinVar (database versions not stated): 1000 Genomes Project 30x 0.00016; 1000 Genomes Project 0.00020; TOPMed 0.00053; ESP Exome Variant Server 0.00069; gnomAD 0.00086 and 0.00088.
gnomAD v4.1: 999 of 1,614,078 alleles (0.062%); highest among the groups gnomAD compares: Non-Finnish European, 0.072%; 1 homozygote.

Submissions (2):

Labcorp Genetics (formerly Invitae), Labcorp
Classification: Likely benign. Last evaluated: 2026-01-26. Review status: criteria provided, single submitter. Criteria: Invitae Variant Classification Sherloc (09022015). Collection method: clinical testing. Allele origin: germline.

PreventionGenetics, part of Exact Sciences
Classification: Likely benign for NXN-related condition. Last evaluated: 2019-11-25. Review status: no assertion criteria provided. Collection method: clinical testing. Allele origin: germline. Not counted in ClinVar's aggregate classification.
Comment: This variant is classified as likely benign based on ACMG/AMP sequence variant interpretation guidelines (Richards et al. 2015 PMID: 25741868, with internal and published modifications).